The following is an entry in ClinVar:

NM_000593.6(TAP1):c.1679dup (p.Gln561fs)

Gene: TAP1 (transporter 1, ATP binding cassette subfamily B member; minus strand). Cytogenetic location: 6p21.32.
Variant type: Duplication.
Coding change: c.1679dup on transcript NM_000593.6 (MANE Select); coding-DNA position 1679, one base duplicated (G; older notation c.1679dupG).
Protein change: p.Gln561fs; shifts the reading frame from glutamine 561.
Molecular consequence: frameshift variant.
Genome position (GRCh38, 1-based): chr6:32,847,980, C duplicated on the plus strand (G on the coding strand, the reverse complement: TAP1 is on the minus strand); the first of 5 consecutive C bases (chr6:32,847,980-32,847,984); duplicating any one gives the same sequence. VCF-style (leftmost placement, unchanged base first): chr6-32847979-T-TC. GRCh37 (hg19) VCF-style: chr6-32815756-T-TC.
Other names: c.1076dup, p.Gln360fs (NM_001292022.2); short protein forms Q360fs, Q561fs.
Identifiers: ClinVar variation 3727231 (VCV003727231.2).

ClinVar aggregate classification (germline): Pathogenic (1 of 4 stars; one submission).

Conditions:
MHC class I deficiency. Identifiers: Orphanet 34592, MedGen C6024714, MONDO:0011476.

Submission:

Labcorp Genetics (formerly Invitae), Labcorp
Classification: Pathogenic for MHC class I deficiency 1. Last evaluated: 2024-12-13. Review status: criteria provided, single submitter. Criteria: Invitae Variant Classification Sherloc (09022015). Collection method: clinical testing. Allele origin: germline.
Comment: This sequence change creates a premature translational stop signal (p.Gln621Thrfs*13) in the TAP1 gene. It is expected to result in an absent or disrupted protein product. Loss-of-function variants in TAP1 are known to be pathogenic (PMID: 10074494, 10074495). This variant is not present in population databases (gnomAD no frequency). This variant has not been reported in the literature in individuals affected with TAP1-related conditions. For these reasons, this variant has been classified as Pathogenic.

Literature cited by the submitters: PubMed 10074494; PubMed 10074495.